The following is an entry in ClinVar:

NM_000439.5(PCSK1):c.750G>A (p.Glu250=)

Genes: CAST (calpastatin; plus strand), PCSK1 (proprotein convertase subtilisin/kexin type 1; minus strand), LOC101929710 (uncharacterized LOC101929710; plus strand). Cytogenetic location: 5q15.
Variant type: single nucleotide variant.
Coding change: c.750G>A on transcript NM_000439.5 (MANE Select); coding-DNA position 750, G replaced by A.
Protein change: p.Glu250=; no amino-acid change (glutamic acid 250 retained).
Molecular consequence: synonymous variant. On other transcripts: intron variant (11).
Genome position (GRCh38, 1-based): chr5:96,412,450, C>T on the plus strand (G>A on the coding strand, the complement: PCSK1 is on the minus strand). VCF-style: chr5-96412450-C-T. GRCh37 (hg19) VCF-style: chr5-95748154-C-T.
Other names: c.-175+32798C>T (NM_001423256.1, NM_001423252.1, NM_001423257.1 and 6 more transcripts); c.-40+32798C>T (NM_001423258.1); c.609G>A, p.Glu203= (NM_001177875.2); c.-103+32798C>T (NM_001423253.1).
Identifiers: ClinVar variation 3353346 (VCV003353346.1).

ClinVar aggregate classification (germline): Likely benign (0 of 4 stars; one submission).

Conditions:
PCSK1-related disorder. Also called: PCSK1-related condition.

gnomAD v4.1: 1 of 1,613,842 alleles (0.000062%); highest among the groups gnomAD compares: Non-Finnish European, 0.000085%; no homozygotes.

Submission:

PreventionGenetics, part of Exact Sciences
Classification: Likely benign for PCSK1-related condition. Last evaluated: 2023-05-23. Review status: no assertion criteria provided. Collection method: clinical testing. Allele origin: germline.
Comment: This variant is classified as likely benign based on ACMG/AMP sequence variant interpretation guidelines (Richards et al. 2015 PMID: 25741868, with internal and published modifications).